The following is an entry in ClinVar:

ClinVar aggregate classification (germline): Uncertain significance. Review status: criteria provided, multiple submitters, no conflicts (2 of 4 stars). 2 submissions from 2 submitters: Uncertain significance (2). Last evaluated 2022-03-16.

Conditions:
Saldino-Mainzer syndrome (SRTD9). Also called: CONORENAL SYNDROME; SHORT-RIB THORACIC DYSPLASIA 9 WITHOUT POLYDACTYLY; short-rib thoracic dysplasia 9 with or without polydactyly; Renal dysplasia, retinal pigmentary dystrophy, cerebellar ataxia and skeletal dysplasia. Identifiers: Orphanet 140969, MedGen C1849437, MONDO:0009964, OMIM 266920.
Retinitis pigmentosa 80 (RP80). Identifiers: MedGen C4540439, MONDO:0054708, OMIM 617781.

Allele frequency attached by ClinVar (database versions not stated): gnomAD 0.00001; gnomAD exomes 0.00001; TOPMed 0.00001.
gnomAD v4.1: 7 of 1,614,020 alleles (0.00043%); highest among the groups gnomAD compares: Non-Finnish European, 0.00059%; no homozygotes.

Submissions (2):

Labcorp Genetics (formerly Invitae), Labcorp
Classification: Uncertain significance for Saldino-Mainzer syndrome. Last evaluated: 2022-03-16. Review status: criteria provided, single submitter. Criteria: Invitae Variant Classification Sherloc (09022015). Collection method: clinical testing. Allele origin: germline.
Comment: This sequence change replaces threonine, which is neutral and polar, with methionine, which is neutral and non-polar, at codon 86 of the IFT140 protein (p.Thr86Met). This variant is not present in population databases (gnomAD no frequency). This variant has not been reported in the literature in individuals affected with IFT140-related conditions. ClinVar contains an entry for this variant (Variation ID: 954834). Algorithms developed to predict the effect of missense changes on protein structure and function output the following: SIFT: "Tolerated"; PolyPhen-2: "Benign"; Align-GVGD: "Class C0". The methionine amino acid residue is found in multiple mammalian species, which suggests that this missense change does not adversely affect protein function. In summary, the available evidence is currently insufficient to determine the role of this variant in disease. Therefore, it has been classified as a Variant of Uncertain Significance.

Fulgent Genetics
Classification: Uncertain significance for Saldino-Mainzer syndrome; Retinitis pigmentosa 80. Last evaluated: 2021-10-19. Review status: criteria provided, single submitter. Criteria: ACMG Guidelines, 2015. Collection method: clinical testing. Allele origin: unknown.

NM_014714.4(IFT140):c.257C>T (p.Thr86Met)

Genes: IFT140 (intraflagellar transport 140; minus strand), LOC105371046 (uncharacterized LOC105371046; plus strand). Cytogenetic location: 16p13.3.
Variant type: single nucleotide variant.
Coding change: c.257C>T on transcript NM_014714.4 (MANE Select); coding-DNA position 257, C replaced by T.
Protein change: p.Thr86Met; replaces threonine 86 with methionine.
Molecular consequence: missense variant.
Genome position (GRCh38, 1-based): chr16:1,602,482, G>A on the plus strand (C>T on the coding strand, the complement: IFT140 is on the minus strand). VCF-style: chr16-1602482-G-A. GRCh37 (hg19) VCF-style: chr16-1652483-G-A.
Other names: short protein forms T86M.
Identifiers: ClinVar variation 954834 (VCV000954834.8), dbSNP rs1159315989, ClinGen allele CA394223162.